The following is an entry in ClinVar:

NM_001184.4(ATR):c.6961T>C (p.Phe2321Leu)

Gene: ATR (ATR checkpoint kinase; minus strand). Cytogenetic location: 3q23.
Variant type: single nucleotide variant.
Coding change: c.6961T>C on transcript NM_001184.4 (MANE Select); coding-DNA position 6961, T replaced by C.
Protein change: p.Phe2321Leu; replaces phenylalanine 2321 with leucine.
Molecular consequence: missense variant.
Genome position (GRCh38, 1-based): chr3:142,465,177, A>G on the plus strand (T>C on the coding strand, the complement: ATR is on the minus strand). VCF-style: chr3-142465177-A-G. GRCh37 (hg19) VCF-style: chr3-142184019-A-G.
Other names: c.6769T>C, p.Phe2257Leu (NM_001354579.2); short protein forms F2321L, F2257L.
Identifiers: ClinVar variation 158001 (VCV000158001.13), dbSNP rs587783338, ClinGen allele CA345992.

ClinVar aggregate classification (germline): Uncertain significance. Review status: criteria provided, multiple submitters, no conflicts (2 of 4 stars). 5 submissions from 4 submitters: Uncertain significance (5). Last evaluated 2025-01-13.

Conditions:
Seckel syndrome 1 (SCKL1). Also called: MICROCEPHALIC PRIMORDIAL DWARFISM I. Identifiers: Orphanet 808, MedGen C4551474, MONDO:0008869, OMIM 210600.
Familial cutaneous telangiectasia and oropharyngeal predisposition cancer syndrome. Identifiers: Orphanet 313846, MedGen C3281203, MONDO:0013806, OMIM 614564.

Allele frequency attached by ClinVar (database versions not stated): gnomAD 0.00002; gnomAD exomes 0.00024 and 0.00011; ExAC 0.00019; TOPMed 0.00011.
gnomAD v4.1: 66 of 1,609,556 alleles (0.0041%); highest among the groups gnomAD compares: Admixed American, 0.11%; no homozygotes.

Submissions (5):

Labcorp Genetics (formerly Invitae), Labcorp
Classification: Uncertain significance. Last evaluated: 2025-01-13. Review status: criteria provided, single submitter. Criteria: Invitae Variant Classification Sherloc (09022015). Collection method: clinical testing. Allele origin: germline.
Comment: This sequence change replaces phenylalanine, which is neutral and non-polar, with leucine, which is neutral and non-polar, at codon 2321 of the ATR protein (p.Phe2321Leu). The frequency data for this variant in the population databases is considered unreliable, as metrics indicate poor data quality at this position in the gnomAD database. This missense change has been observed in individual(s) with personal or family history of breast and/or ovarian cancer (PMID: 30262796). ClinVar contains an entry for this variant (Variation ID: 158001). An algorithm developed to predict the effect of missense changes on protein structure and function outputs the following: PolyPhen-2: "Benign". The leucine amino acid residue is found in multiple mammalian species, which suggests that this missense change does not adversely affect protein function. In summary, the available evidence is currently insufficient to determine the role of this variant in disease. Therefore, it has been classified as a Variant of Uncertain Significance.

GeneDx
Classification: Uncertain significance. Last evaluated: 2024-09-22. Review status: criteria provided, single submitter. Criteria: GeneDx Variant Classification Process June 2021. Collection method: clinical testing. Allele origin: germline. Affected: yes.
Comment: In silico analysis indicates that this missense variant does not alter protein structure/function; This variant is associated with the following publications: (PMID: 30262796)

Genome-Nilou Lab
Classification: Uncertain significance for Seckel syndrome 1. Last evaluated: 2023-02-08. Review status: criteria provided, single submitter. Criteria: ACMG Guidelines, 2015. Collection method: clinical testing. Allele origin: germline.

Genome-Nilou Lab
Classification: Uncertain significance for Familial cutaneous telangiectasia and oropharyngeal predisposition cancer syndrome. Last evaluated: 2023-02-08. Review status: criteria provided, single submitter. Criteria: ACMG Guidelines, 2015. Collection method: clinical testing. Allele origin: germline.

Genetic Services Laboratory, University of Chicago
Classification: Uncertain significance for Seckel syndrome 1. Last evaluated: 2014-06-05. Review status: criteria provided, single submitter. Criteria: ACMG Guidelines, 2015. Collection method: clinical testing. Allele origin: germline. Inheritance: Autosomal recessive inheritance.

Literature cited by the submitters: PubMed 30262796 (cited by Labcorp Genetics (formerly Invitae), Labcorp).